The following is an entry in ClinVar:

NM_002473.6(MYH9):c.4598A>G (p.Gln1533Arg)

Gene: MYH9 (myosin heavy chain 9; minus strand). Cytogenetic location: 22q12.3.
Variant type: single nucleotide variant.
Coding change: c.4598A>G on transcript NM_002473.6 (MANE Select); coding-DNA position 4598, A replaced by G.
Protein change: p.Gln1533Arg; replaces glutamine 1533 with arginine.
Molecular consequence: missense variant.
Genome position (GRCh38, 1-based): chr22:36,288,899, T>C on the plus strand (A>G on the coding strand, the complement: MYH9 is on the minus strand). VCF-style: chr22-36288899-T-C. GRCh37 (hg19) VCF-style: chr22-36684945-T-C.
Other names: short protein forms Q1533R.
Identifiers: ClinVar variation 228925 (VCV000228925.4), dbSNP rs876657892, ClinGen allele CA10577134.
Genomic context (GRCh38, chr22:36,288,899, plus strand): 5'-TCTTCGGTGGCCTGCAGCTCGTCCTCCAGCTCTTCCAGCTGCGTCTTCATCTCCTCCACC[T>C]GCTGCTCTAGGGCCCGCTTGGACTTCTCCAGCTCGTGGACCTGAGCCCCAGAGAGCCCAA-3'
Protein context (NP_002464.1, residues 1523-1543): LEKSKRALEQ[Gln1533Arg]VEEMKTQLEE

ClinVar aggregate classification (germline): Uncertain significance (1 of 4 stars; one submission).

Allele frequency attached by ClinVar (database versions not stated): gnomAD exomes below 0.00001.
gnomAD v4.1: 4 of 1,614,114 alleles (0.00025%); highest among the groups gnomAD compares: Non-Finnish European, 0.00034%; no homozygotes.

Submission:

Laboratory for Molecular Medicine, Mass General Brigham Personalized Medicine
Classification: Uncertain significance. Last evaluated: 2016-03-29. Review status: criteria provided, single submitter. Criteria: LMM Criteria. Collection method: clinical testing. Allele origin: germline. Observed: 1 variant allele.
Comment: The p.Gln1533Arg variant in MYH9 has not been reported previously in individuals with hearing loss, and was absent from large population studies. Computational prediction tools and conservation analyses do not provide strong evidence for or against an impact to the protein. In summary, the clinical significance of the p.Gln1533Arg variant is uncertain.